The following is an entry in ClinVar:

NM_000138.5(FBN1):c.370A>G (p.Met124Val)

Gene: FBN1 (fibrillin 1; minus strand). Cytogenetic location: 15q21.1.
Variant type: single nucleotide variant.
Coding change: c.370A>G on transcript NM_000138.5 (MANE Select); coding-DNA position 370, A replaced by G.
Protein change: p.Met124Val; replaces methionine 124 with valine.
Molecular consequence: missense variant.
Genome position (GRCh38, 1-based): chr15:48,600,211, T>C on the plus strand (A>G on the coding strand, the complement: FBN1 is on the minus strand). VCF-style: chr15-48600211-T-C. GRCh37 (hg19) VCF-style: chr15-48892408-T-C.
Other names: short protein forms M124V.
Identifiers: ClinVar variation 402851 (VCV000402851.12), dbSNP rs764224168, ClinGen allele CA051374.

ClinVar aggregate classification (germline): Conflicting classifications of pathogenicity. Review status: criteria provided, conflicting classifications (1 of 4 stars). 5 submissions from 5 submitters: Uncertain significance (4); Likely benign (1). Last evaluated 2026-01-15.

Conditions:
Familial thoracic aortic aneurysm and aortic dissection (TAAD). Also called: Thoracic aortic aneurysms and dissections. Identifiers: Orphanet 91387, MedGen C4707243, MONDO:0019625.
Marfan syndrome (MFS). Also called: Marfan syndrome, classic; Marfan syndrome type 1; Marfan's syndrome; MARFAN SYNDROME, TYPE I; FBN1-Related Marfan Syndrome. Identifiers: Orphanet 284963, Orphanet 558, MedGen C0024796, MONDO:0007947, OMIM 154700.

Allele frequency attached by ClinVar (database versions not stated): ExAC 0.00002; gnomAD 0.00001; TOPMed 0.00001; gnomAD exomes 0.00002.

Submissions (5):

Ambry Genetics
Classification: Uncertain significance for Familial thoracic aortic aneurysm and aortic dissection. Last evaluated: 2026-01-15. Review status: criteria provided, single submitter. Criteria: Ambry Variant Classification Scheme 2023. Collection method: clinical testing. Allele origin: germline.
Comment: The p.M124V variant (also known as c.370A>G), located in coding exon 4 of the FBN1 gene, results from an A to G substitution at nucleotide position 370. The methionine at codon 124 is replaced by valine, an amino acid with highly similar properties. This variant was reported in an individual with ectopia lentis who harbored a second FBN1 variant (Zadeh N et al. Am J Med Genet A, 2011 Nov;155A:2661-8). This amino acid position is highly conserved in available vertebrate species. In addition, this alteration is predicted to be deleterious by in silico analysis. Based on the available evidence, the clinical significance of this variant remains unclear.

Color Diagnostics, LLC DBA Color Health
Classification: Uncertain significance for Familial thoracic aortic aneurysm and aortic dissection. Last evaluated: 2023-12-19. Review status: criteria provided, single submitter. Criteria: ACMG Guidelines, 2015. Collection method: clinical testing. Allele origin: germline.
Comment: This missense variant replaces methionine with valine at codon 124 of the FBN1 protein. Computational prediction is inconclusive regarding the impact of this variant on protein structure and function. To our knowledge, functional studies have not been reported for this variant. This variant has been reported in an individual affected with Marfan syndrome who also carried a pathogenic variant in the FBN1 gene that could explain the phenotype (PMID: 21932315). This variant has been identified in 4/250938 chromosomes in the general population by the Genome Aggregation Database (gnomAD). The available evidence is insufficient to determine the role of this variant in disease conclusively. Therefore, this variant is classified as a Variant of Uncertain Significance.

Blueprint Genetics
Classification: Likely benign. Last evaluated: 2022-01-12. Review status: criteria provided, single submitter. Criteria: ACMG Guidelines, 2015. Collection method: clinical testing. Allele origin: germline.

Labcorp Genetics (formerly Invitae), Labcorp
Classification: Uncertain significance for Marfan syndrome; Familial thoracic aortic aneurysm and aortic dissection. Last evaluated: 2021-08-13. Review status: criteria provided, single submitter. Criteria: Invitae Variant Classification Sherloc (09022015). Collection method: clinical testing. Allele origin: germline.
Comment: This sequence change replaces methionine with valine at codon 124 of the FBN1 protein (p.Met124Val). The methionine residue is highly conserved and there is a small physicochemical difference between methionine and valine. This variant is present in population databases (rs764224168, ExAC 0.009%). This missense change has been observed in individual(s) with Marfan syndrome (PMID: 21932315). ClinVar contains an entry for this variant (Variation ID: 402851). Algorithms developed to predict the effect of missense changes on protein structure and function are either unavailable or do not agree on the potential impact of this missense change (SIFT: "Deleterious"; PolyPhen-2: "Possibly Damaging"; Align-GVGD: "Class C0"). In summary, the available evidence is currently insufficient to determine the role of this variant in disease. Therefore, it has been classified as a Variant of Uncertain Significance.

Laboratory for Molecular Medicine, Mass General Brigham Personalized Medicine
Classification: Uncertain significance. Last evaluated: 2016-07-26. Review status: criteria provided, single submitter. Criteria: LMM Criteria. Collection method: clinical testing. Allele origin: germline.
Comment: Variant identified in a genome or exome case(s) and assessed due to predicted null impact of the variant or pathogenic assertions in the literature or databases. Disclaimer: This variant has not undergone full assessment. The following are preliminary notes: Reported in 1 Marfan proband and an additional individual who died suddently (thesis in spanish -,d.d2s)

Literature cited by the submitters: PubMed 21932315 (cited by 3 submitters).